The following is an entry in ClinVar:

ClinVar aggregate classification (germline): Uncertain significance. Review status: criteria provided, multiple submitters, no conflicts (2 of 4 stars). 3 submissions from 3 submitters: Uncertain significance (3). Last evaluated 2024-03-04.

Conditions:
Inborn genetic diseases. Identifiers: MedGen C0950123, MeSH D030342.

Allele frequency attached by ClinVar (database versions not stated): gnomAD 0.00001; TOPMed 0.00002; 1000 Genomes Project 0.00020; 1000 Genomes Project 30x 0.00031.

Submissions (3):

Ambry Genetics
Classification: Uncertain significance for Inborn genetic diseases. Last evaluated: 2024-03-04. Review status: criteria provided, single submitter. Criteria: Ambry Variant Classification Scheme 2023. Collection method: clinical testing. Allele origin: germline.

Blueprint Genetics
Classification: Uncertain significance. Last evaluated: 2023-12-18. Review status: criteria provided, single submitter. Criteria: ACMG Guidelines, 2015. Collection method: clinical testing. Allele origin: germline.

Labcorp Genetics (formerly Invitae), Labcorp
Classification: Uncertain significance. Last evaluated: 2022-02-24. Review status: criteria provided, single submitter. Criteria: Invitae Variant Classification Sherloc (09022015). Collection method: clinical testing. Allele origin: germline.
Comment: This sequence change replaces arginine, which is basic and polar, with histidine, which is basic and polar, at codon 1196 of the RBP3 protein (p.Arg1196His). This variant is present in population databases (rs558333123, gnomAD 0.01%). This variant has not been reported in the literature in individuals affected with RBP3-related conditions. ClinVar contains an entry for this variant (Variation ID: 852746). Algorithms developed to predict the effect of missense changes on protein structure and function are either unavailable or do not agree on the potential impact of this missense change (SIFT: "Tolerated"; PolyPhen-2: "Possibly Damaging"; Align-GVGD: "Class C0"). In summary, the available evidence is currently insufficient to determine the role of this variant in disease. Therefore, it has been classified as a Variant of Uncertain Significance.

NM_002900.3(RBP3):c.3587G>A (p.Arg1196His)

Gene: RBP3 (retinol binding protein 3; plus strand). Cytogenetic location: 10q11.22.
Variant type: single nucleotide variant.
Coding change: c.3587G>A on transcript NM_002900.3 (MANE Select); coding-DNA position 3587, G replaced by A.
Protein change: p.Arg1196His; replaces arginine 1196 with histidine.
Molecular consequence: missense variant.
Genome position (GRCh38, 1-based): chr10:47,357,300, G>A. VCF-style: chr10-47357300-G-A. GRCh37 (hg19) VCF-style: chr10-48382062-C-T.
Other names: short protein forms R1196H.
Identifiers: ClinVar variation 852746 (VCV000852746.8), dbSNP rs558333123, ClinGen allele CA5487007.